The following is an entry in ClinVar:

ClinVar aggregate classification (germline): Uncertain significance. Review status: criteria provided, multiple submitters, no conflicts (2 of 4 stars). 4 submissions from 4 submitters: Uncertain significance (4). Last evaluated 2026-01-06.

Conditions:
Hennekam lymphangiectasia-lymphedema syndrome 2 (HKLLS2). Identifiers: Orphanet 2136, MedGen C4014939, MONDO:0014454, OMIM 616006.
Van Maldergem syndrome 2 (VMLDS2). Identifiers: Orphanet 314679, MedGen C3809875, MONDO:0014242, OMIM 615546.
Inborn genetic diseases. Identifiers: MedGen C0950123, MeSH D030342.

Allele frequency attached by ClinVar (database versions not stated): ExAC 0.00001; gnomAD 0.00001; gnomAD exomes 0.00003; TOPMed 0.00003.
gnomAD v4.1: 10 of 1,613,774 alleles (0.00062%); highest among the groups gnomAD compares: Admixed American, 0.013%; no homozygotes.

Submissions (4):

Labcorp Genetics (formerly Invitae), Labcorp
Classification: Uncertain significance. Last evaluated: 2026-01-06. Review status: criteria provided, single submitter. Criteria: Invitae Variant Classification Sherloc (09022015). Collection method: clinical testing. Allele origin: germline.
Comment: This sequence change replaces serine, which is neutral and polar, with tyrosine, which is neutral and polar, at codon 2737 of the FAT4 protein (p.Ser2737Tyr). This variant is present in population databases (rs748854090, gnomAD 0.02%). This variant has not been reported in the literature in individuals affected with FAT4-related conditions. ClinVar contains an entry for this variant (Variation ID: 1675077). Invitae Evidence Modeling of protein sequence and biophysical properties (such as structural, functional, and spatial information, amino acid conservation, physicochemical variation, residue mobility, and thermodynamic stability) indicates that this missense variant is expected to disrupt FAT4 protein function with a positive predictive value of 80%. In summary, the available evidence is currently insufficient to determine the role of this variant in disease. Therefore, it has been classified as a Variant of Uncertain Significance.

Ambry Genetics
Classification: Uncertain significance for Inborn genetic diseases. Last evaluated: 2025-12-11. Review status: criteria provided, single submitter. Criteria: Ambry Variant Classification Scheme 2023. Collection method: clinical testing. Allele origin: germline.

Fulgent Genetics
Classification: Uncertain significance for Van Maldergem syndrome 2; Hennekam lymphangiectasia-lymphedema syndrome 2. Last evaluated: 2024-02-06. Review status: criteria provided, single submitter. Criteria: ACMG Guidelines, 2015. Collection method: clinical testing. Allele origin: germline.

Center for Genomics, Ann and Robert H. Lurie Children's Hospital of Chicago
Classification: Uncertain significance for Hennekam lymphangiectasia-lymphedema syndrome 2; Van Maldergem syndrome 2. Last evaluated: 2021-03-15. Review status: criteria provided, single submitter. Criteria: ACMG Guidelines, 2015. Collection method: clinical testing. Allele origin: germline.
Comment: FAT4 NM_024582.4 exon 9 p.Ser2737Tyr (c.8210C>A): This variant has not been reported in the literature but is present in 0.006% (1/15256) of Latino alleles in the Genome Aggregation Database. Evolutionary conservation suggests that this variant may not impact the protein; computational predictive tools suggest that this variant may impact the protein. In summary, data on this variant is insufficient for disease classification. Therefore, the clinical significance of this variant is uncertain.

NM_001291303.3(FAT4):c.8216C>A (p.Ser2739Tyr)

Gene: FAT4 (FAT atypical cadherin 4; plus strand). Cytogenetic location: 4q28.1.
Variant type: single nucleotide variant.
Coding change: c.8216C>A on transcript NM_001291303.3 (MANE Select); coding-DNA position 8216, C replaced by A.
Protein change: p.Ser2739Tyr; replaces serine 2739 with tyrosine.
Molecular consequence: missense variant.
Genome position (GRCh38, 1-based): chr4:125,449,226, C>A. VCF-style: chr4-125449226-C-A. GRCh37 (hg19) VCF-style: chr4-126370381-C-A.
Other names: c.8216C>A, p.Ser2739Tyr (NM_001291285.3); c.8210C>A, p.Ser2737Tyr (NM_024582.6); c.8210C>A (NM_024582.5, NM_024582.4); short protein forms S2737Y, S2739Y.
Identifiers: ClinVar variation 1675077 (VCV001675077.7), dbSNP rs748854090, ClinGen allele CA3073329.